The following is an entry in ClinVar:

ClinVar aggregate classification (germline): Pathogenic (1 of 4 stars; one submission).

Submission:

GeneDx
Classification: Pathogenic. Last evaluated: 2026-06-23. Review status: criteria provided, single submitter. Criteria: GeneDx Variant Classification Process June 2021. Collection method: clinical testing. Allele origin: germline.
Comment: Not observed at significant frequency in large population cohorts (gnomAD); In silico analysis supports that this missense variant has a deleterious effect on protein structure/function; Has not been previously published as pathogenic or benign to our knowledge

NM_004640.7(DDX39B):c.896G>A (p.Arg299Gln)

Genes: ATP6V1G2-DDX39B (ATP6V1G2-DDX39B readthrough (NMD candidate); minus strand), DDX39B (DExD-box helicase 39B; minus strand). Cytogenetic location: 6p21.33.
Variant type: single nucleotide variant.
Coding change: c.896G>A on transcript NM_004640.7 (MANE Select); coding-DNA position 896, G replaced by A.
Protein change: p.Arg299Gln; replaces arginine 299 with glutamine.
Molecular consequence: missense variant. On other transcripts: non-coding transcript variant (2).
Genome position (GRCh38, 1-based): chr6:31,531,377, C>T on the plus strand (G>A on the coding strand, the complement: DDX39B is on the minus strand). VCF-style: chr6-31531377-C-T. GRCh37 (hg19) VCF-style: chr6-31499154-C-T.
Other names: c.896G>A, p.Arg299Gln (NM_080598.6); short protein forms R299Q.
Identifiers: ClinVar variation 4536520 (VCV004536520.2).